The following is an entry in ClinVar:

ClinVar aggregate classification (germline): Uncertain significance. Review status: criteria provided, multiple submitters, no conflicts (2 of 4 stars). 2 submissions from 2 submitters: Uncertain significance (2). Last evaluated 2025-07-08.

Conditions:
Inborn genetic diseases. Identifiers: MedGen C0950123, MeSH D030342.

Allele frequency attached by ClinVar (database versions not stated): TOPMed 0.00009; gnomAD 0.00011; gnomAD exomes 0.00020.
gnomAD v4.1: 301 of 1,537,028 alleles (0.02%); highest among the groups gnomAD compares: Non-Finnish European, 0.025%; no homozygotes.

Submissions (2):

Labcorp Genetics (formerly Invitae), Labcorp
Classification: Uncertain significance. Last evaluated: 2025-07-08. Review status: criteria provided, single submitter. Criteria: Invitae Variant Classification Sherloc (09022015). Collection method: clinical testing. Allele origin: germline.
Comment: This sequence change replaces glutamic acid, which is acidic and polar, with lysine, which is basic and polar, at codon 1793 of the PIEZO2 protein (p.Glu1793Lys). This variant is present in population databases (rs763212098, gnomAD 0.02%). This variant has not been reported in the literature in individuals affected with PIEZO2-related conditions. ClinVar contains an entry for this variant (Variation ID: 2384006). Invitae Evidence Modeling of protein sequence and biophysical properties (such as structural, functional, and spatial information, amino acid conservation, physicochemical variation, residue mobility, and thermodynamic stability) indicates that this missense variant is not expected to disrupt PIEZO2 protein function with a negative predictive value of 80%. In summary, the available evidence is currently insufficient to determine the role of this variant in disease. Therefore, it has been classified as a Variant of Uncertain Significance.

Ambry Genetics
Classification: Uncertain significance for Inborn genetic diseases. Last evaluated: 2022-08-02. Review status: criteria provided, single submitter. Criteria: Ambry Variant Classification Scheme 2023. Collection method: clinical testing. Allele origin: germline.

NM_001378183.1(PIEZO2):c.5716G>A (p.Glu1906Lys)

Gene: PIEZO2 (piezo type mechanosensitive ion channel component 2; minus strand). Cytogenetic location: 18p11.22.
Variant type: single nucleotide variant.
Coding change: c.5716G>A on transcript NM_001378183.1 (MANE Select); coding-DNA position 5716, G replaced by A.
Protein change: p.Glu1906Lys; replaces glutamic acid 1906 with lysine.
Molecular consequence: missense variant.
Genome position (GRCh38, 1-based): chr18:10,705,619, C>T on the plus strand (G>A on the coding strand, the complement: PIEZO2 is on the minus strand). VCF-style: chr18-10705619-C-T. GRCh37 (hg19) VCF-style: chr18-10705617-C-T.
Other names: c.5452G>A, p.Glu1818Lys (NM_001410871.1); c.5377G>A, p.Glu1793Lys (NM_022068.4); short protein forms E1906K, E1793K, E1818K.
Identifiers: ClinVar variation 2384006 (VCV002384006.3), dbSNP rs763212098, ClinGen allele CA8892317.
Genomic context (GRCh38, chr18:10,705,619, plus strand): 5'-CCTCTGGGGTGAGGCTGGCCTCCTCGGCACCCATGGCTCCCACATCGTACCCAGTGGCCT[C>T]GTACTCCTTGGCCTCCCTGGGCTCAGGCGCCGTGCTCCCTGCCTCCTCCTCCTGCTCAGC-3'
Protein context (NP_001365112.1, residues 1896-1916): APEPREAKEY[Glu1906Lys]ATGYDVGAMG